The following is an entry in ClinVar:

NM_000075.4(CDK4):c.684-4A>G

Genes: TSPAN31 (tetraspanin 31; plus strand), CDK4 (cyclin dependent kinase 4; minus strand). Cytogenetic location: 12q14.1.
Variant type: single nucleotide variant.
Coding change: c.684-4A>G on transcript NM_000075.4 (MANE Select); 4 bases into the intron before coding-DNA position 684, A replaced by G.
Molecular consequence: intron variant. On other transcripts: 3 prime UTR variant (3).
Genome position (GRCh38, 1-based): chr12:57,749,321, T>C on the plus strand (A>G on the coding strand, the complement: CDK4 is on the minus strand). VCF-style: chr12-57749321-T-C. GRCh37 (hg19) VCF-style: chr12-58143104-T-C.
Other names: c.*2031T>C (NM_001330168.2, NM_001330169.2, NM_005981.5).
Identifiers: ClinVar variation 232277 (VCV000232277.16), dbSNP rs370609910, ClinGen allele CA6657705.
Genomic context (GRCh38, chr12:57,749,321, plus strand): 5'-CCACGGGGCAGGGATACATCTCGAGGCCAGTCATCCTCTGGAGGCAGCCCAATCAGGCTG[T>C]GGGGGACAGGAGAACTCTGGTCAGGAGGGTCCTCCAGTTCCCATCCCCATGGGCAGAGCC-3'

ClinVar aggregate classification (germline): Likely benign. Review status: criteria provided, multiple submitters, no conflicts (2 of 4 stars). 4 submissions from 4 submitters: Likely benign (4). Last evaluated 2025-12-08.

Conditions:
Melanoma, cutaneous malignant, susceptibility to, 3. Also called: Cutaneous malignant melanoma 3. Identifiers: Orphanet 618, MedGen C1836892, MONDO:0012183, OMIM 609048.
Hereditary cancer-predisposing syndrome. Also called: Neoplastic Syndromes, Hereditary; Tumor predisposition; Hereditary Cancer Syndrome; Hereditary neoplastic syndrome. Identifiers: Orphanet 140162, MedGen C0027672, MeSH D009386, MONDO:0015356.
Familial melanoma. Also called: Hereditary melanoma; Hereditary cutaneous melanoma. Identifiers: Orphanet 618, MedGen C1512419, MONDO:0018961.

Allele frequency attached by ClinVar (database versions not stated): TOPMed 0.00001; ESP Exome Variant Server 0.00008.
gnomAD v4.1: 7 of 1,614,026 alleles (0.00043%); highest among the groups gnomAD compares: Admixed American, 0.0017%; no homozygotes.

Submissions (4):

Labcorp Genetics (formerly Invitae), Labcorp
Classification: Likely benign for Familial melanoma. Last evaluated: 2025-12-08. Review status: criteria provided, single submitter. Criteria: Invitae Variant Classification Sherloc (09022015). Collection method: clinical testing. Allele origin: germline.

Center for Genomic Medicine, Rigshospitalet, Copenhagen University Hospital
Classification: Likely benign. Last evaluated: 2025-03-04. Review status: criteria provided, single submitter. Criteria: ACMG Guidelines, 2015. Collection method: clinical testing. Allele origin: germline.

Myriad Genetics, Inc.
Classification: Likely benign for Melanoma, cutaneous malignant, susceptibility to, 3. Last evaluated: 2024-09-26. Review status: criteria provided, single submitter. Criteria: Myriad Autosomal Dominant, Autosomal Recessive and X-Linked Classification Criteria (2023). Collection method: clinical testing. Allele origin: unknown.
Comment: This variant is considered likely benign. This variant is intronic and is not expected to impact mRNA splicing.

Ambry Genetics
Classification: Likely benign for Hereditary cancer-predisposing syndrome. Last evaluated: 2022-04-19. Review status: criteria provided, single submitter. Criteria: Ambry Variant Classification Scheme 2023. Collection method: clinical testing. Allele origin: germline.